The following is an entry in ClinVar:

NM_005186.4(CAPN1):c.409C>A (p.His137Asn)

Gene: CAPN1 (calpain 1; plus strand). Cytogenetic location: 11q13.1.
Variant type: single nucleotide variant.
Coding change: c.409C>A on transcript NM_005186.4 (MANE Select); coding-DNA position 409, C replaced by A.
Protein change: p.His137Asn; replaces histidine 137 with asparagine.
Molecular consequence: missense variant. On other transcripts: non-coding transcript variant (1).
Genome position (GRCh38, 1-based): chr11:65,183,545, C>A. VCF-style: chr11-65183545-C-A. GRCh37 (hg19) VCF-style: chr11-64951016-C-A.
Other names: c.409C>A, p.His137Asn (NM_001198868.2, NM_001198869.2); c.247C>A, p.His83Asn (NM_001198870.1); short protein forms H83N, H137N.
Identifiers: ClinVar variation 2042909 (VCV002042909.3), dbSNP rs771575994, ClinGen allele CA6093074.
Genomic context (GRCh38, chr11:65,183,545, plus strand): 5'-CTCTTGGCGGCCATCGCCTCCCTCACTCTCAACGACACCCTCCTGCACCGAGTGGTTCCG[C>A]ACGGCCAGAGCTTCCAGAATGGCTATGCCGGCATCTTCCATTTCCAGGTGAGGGCTCCCC-3'
Protein context (NP_005177.2, residues 127-147): NDTLLHRVVP[His137Asn]GQSFQNGYAG

ClinVar aggregate classification (germline): Uncertain significance. Review status: criteria provided, multiple submitters, no conflicts (2 of 4 stars). 2 submissions from 2 submitters: Uncertain significance (2). Last evaluated 2022-11-08.

Conditions:
Inborn genetic diseases. Identifiers: MedGen C0950123, MeSH D030342.

Allele frequency attached by ClinVar (database versions not stated): gnomAD 0.00001; TOPMed 0.00003; ExAC 0.00004; gnomAD exomes 0.00004.
gnomAD v4.1: 30 of 1,613,810 alleles (0.0019%); highest among the groups gnomAD compares: Admixed American, 0.043%; no homozygotes.

Submissions (2):

Labcorp Genetics (formerly Invitae), Labcorp
Classification: Uncertain significance. Last evaluated: 2022-11-08. Review status: criteria provided, single submitter. Criteria: Invitae Variant Classification Sherloc (09022015). Collection method: clinical testing. Allele origin: germline.
Comment: In summary, the available evidence is currently insufficient to determine the role of this variant in disease. Therefore, it has been classified as a Variant of Uncertain Significance. Advanced modeling of protein sequence and biophysical properties (such as structural, functional, and spatial information, amino acid conservation, physicochemical variation, residue mobility, and thermodynamic stability) performed at Invitae indicates that this missense variant is not expected to disrupt CAPN1 protein function. This variant has not been reported in the literature in individuals affected with CAPN1-related conditions. This variant is present in population databases (rs771575994, gnomAD 0.06%). This sequence change replaces histidine, which is basic and polar, with asparagine, which is neutral and polar, at codon 137 of the CAPN1 protein (p.His137Asn).

Ambry Genetics
Classification: Uncertain significance for Inborn genetic diseases. Last evaluated: 2021-10-22. Review status: criteria provided, single submitter. Criteria: Ambry Variant Classification Scheme 2023. Collection method: clinical testing. Allele origin: germline.